The following is an entry in ClinVar:

ClinVar aggregate classification (germline): Uncertain significance. Review status: criteria provided, multiple submitters, no conflicts (2 of 4 stars). 2 submissions from 2 submitters: Uncertain significance (2). Last evaluated 2025-06-12.

Conditions:
Menkes kinky-hair syndrome (MNK). Also called: Copper transport disease; Menkes Disease; Classic Menkes Disease. Identifiers: Orphanet 565, MedGen C0022716, MONDO:0010651, OMIM 309400.
Cutis laxa, X-linked (OHS). Also called: EDS IX; Occipital horn syndrome. Identifiers: Orphanet 198, MedGen C0268353, MONDO:0010572, OMIM 304150.
X-linked distal spinal muscular atrophy type 3. Also called: ATP7A-Related Distal Motor Neuropathy; NEURONOPATHY, DISTAL HEREDITARY MOTOR, X-LINKED; NEUROPATHY, DISTAL HEREDITARY MOTOR, X-LINKED; SPINAL MUSCULAR ATROPHY, DISTAL, X-LINKED RECESSIVE. Identifiers: Orphanet 139557, MedGen C1845359, MONDO:0010338, OMIM 300489.

Submissions (2):

Labcorp Genetics (formerly Invitae), Labcorp
Classification: Uncertain significance for X-linked distal spinal muscular atrophy type 3; Cutis laxa, X-linked; Menkes kinky-hair syndrome. Last evaluated: 2025-06-12. Review status: criteria provided, single submitter. Criteria: Invitae Variant Classification Sherloc (09022015). Collection method: clinical testing. Allele origin: germline.
Comment: This sequence change replaces arginine, which is basic and polar, with lysine, which is basic and polar, at codon 269 of the ATP7A protein (p.Arg269Lys). This variant is not present in population databases (gnomAD no frequency). This variant has not been reported in the literature in individuals affected with ATP7A-related conditions. ClinVar contains an entry for this variant (Variation ID: 2660964). Invitae Evidence Modeling of protein sequence and biophysical properties (such as structural, functional, and spatial information, amino acid conservation, physicochemical variation, residue mobility, and thermodynamic stability) indicates that this missense variant is not expected to disrupt ATP7A protein function with a negative predictive value of 95%. In summary, the available evidence is currently insufficient to determine the role of this variant in disease. Therefore, it has been classified as a Variant of Uncertain Significance.

CeGaT Center for Human Genetics Tuebingen
Classification: Uncertain significance. Last evaluated: 2022-07-01. Review status: criteria provided, single submitter. Criteria: CeGaT Center For Human Genetics Tuebingen Variant Classification Criteria Version 2. Collection method: clinical testing. Allele origin: germline. Affected: yes. Observed: 1 variant allele.
Comment: ATP7A: PM2

NM_000052.7(ATP7A):c.806G>A (p.Arg269Lys)

Gene: ATP7A (ATPase copper transporting alpha; plus strand). Cytogenetic location: Xq21.1.
Variant type: single nucleotide variant.
Coding change: c.806G>A on transcript NM_000052.7 (MANE Select); coding-DNA position 806, G replaced by A.
Protein change: p.Arg269Lys; replaces arginine 269 with lysine.
Molecular consequence: missense variant.
Genome position (GRCh38, 1-based): chrX:77,989,428, G>A. VCF-style: chrX-77989428-G-A. GRCh37 (hg19) VCF-style: chrX-77244924-G-A.
Other names: c.806G>A, p.Arg269Lys (NM_001282224.2); short protein forms R269K.
Identifiers: ClinVar variation 2660964 (VCV002660964.25), dbSNP rs2522293296, ClinGen allele CA413600990.
Genomic context (GRCh38, chrX:77,989,428, plus strand): 5'-CTATTGATGTAGAACGTCTAAAGAACACACCAGTTAAATCCTCAGAAGGGTCACAGCAAA[G>A]GAGTCCATCATATACCAATGATTCAACAGCCACTTTCATCATTGATGGCATGCATTGTAA-3'
Protein context (NP_000043.4, residues 259-279): PVKSSEGSQQ[Arg269Lys]SPSYTNDSTA